The following is an entry in ClinVar:

NM_000070.3(CAPN3):c.13A>G (p.Ile5Val)

Gene: CAPN3 (calpain 3; plus strand). Cytogenetic location: 15q15.1.
Variant type: single nucleotide variant.
Coding change: c.13A>G on transcript NM_000070.3 (MANE Select); coding-DNA position 13, A replaced by G.
Protein change: p.Ile5Val; replaces isoleucine 5 with valine.
Molecular consequence: missense variant.
Genome position (GRCh38, 1-based): chr15:42,359,818, A>G. VCF-style: chr15-42359818-A-G. GRCh37 (hg19) VCF-style: chr15-42652016-A-G.
Other names: c.13A>G (NM_000070.2); c.13A>G, p.Ile5Val (NM_024344.2, NM_173087.2); short protein forms I5V.
Identifiers: ClinVar variation 1472496 (VCV001472496.7), dbSNP rs1265909242, ClinGen allele CA391993809.

ClinVar aggregate classification (germline): Uncertain significance. Review status: criteria provided, multiple submitters, no conflicts (2 of 4 stars). 2 submissions from 2 submitters: Uncertain significance (2). Last evaluated 2025-01-13.

Conditions:
Autosomal recessive limb-girdle muscular dystrophy type 2A (LGMDR1). Also called: Calpainopathy; MUSCULAR DYSTROPHY, PELVOFEMORAL; LEYDEN-MOEBIUS MUSCULAR DYSTROPHY; Muscular dystrophy, limb-girdle, type 2A, Amish; Limb-girdle muscular dystrophy, type 2A. Identifiers: Orphanet 267, MedGen C1869123, MONDO:0009675, OMIM 253600. Disease mechanism: loss of function.

Allele frequency attached by ClinVar (database versions not stated): gnomAD exomes below 0.00001.
gnomAD v4.1: 3 of 1,613,816 alleles (0.00019%); highest among the groups gnomAD compares: Admixed American, 0.0017%; no homozygotes.

Submissions (2):

Labcorp Genetics (formerly Invitae), Labcorp
Classification: Uncertain significance for Autosomal recessive limb-girdle muscular dystrophy type 2A. Last evaluated: 2025-01-13. Review status: criteria provided, single submitter. Criteria: Invitae Variant Classification Sherloc (09022015). Collection method: clinical testing. Allele origin: germline.
Comment: This sequence change replaces isoleucine, which is neutral and non-polar, with valine, which is neutral and non-polar, at codon 5 of the CAPN3 protein (p.Ile5Val). This variant is present in population databases (no rsID available, gnomAD 0.003%). This variant has not been reported in the literature in individuals affected with CAPN3-related conditions. ClinVar contains an entry for this variant (Variation ID: 1472496). An algorithm developed to predict the effect of missense changes on protein structure and function outputs the following: PolyPhen-2: "Benign". The valine amino acid residue is found in multiple mammalian species, which suggests that this missense change does not adversely affect protein function. In summary, the available evidence is currently insufficient to determine the role of this variant in disease. Therefore, it has been classified as a Variant of Uncertain Significance.

Victorian Clinical Genetics Services, Murdoch Childrens Research Institute
Classification: Uncertain significance for Autosomal recessive limb-girdle muscular dystrophy type 2A. Last evaluated: 2022-02-02. Review status: criteria provided, single submitter. Criteria: ACMG Guidelines, 2015. Collection method: clinical testing. Allele origin: germline. Affected: yes.
Comment: Based on the classification scheme VCGS_Germline_v1.3.4, this variant is classified as VUS-3C. Following criteria are met: 0102 - Loss of function is a known mechanism of disease in this gene and is associated with autosomal recessive CAPN3-related muscular dystrophy. A dominant-negative mechanism has also been suggested for autosomal dominant CAPN3-related muscular dystrophy (PMID: 32342993). (I) 0108 - This gene is associated with both recessive and dominant disease. Loss of function variants are usually inherited in a recessive manner, resulting in a severe phenotype. However, a number of in-frame deletions and missense variants have more recently been described to result in a milder, later-onset calpainopathy phenotype with autosomal dominant inheritance (PMIDs: 32557990, 32342993). (I) 0115 - Variants in this gene are known to have variable expressivity. Some heterozygous carriers only present with isolated hyperCKaemia (PMID: 32557990). (I) 0200 - Variant is predicted to result in a missense amino acid change from isoleucine to valine. (I) 0251 - This variant is heterozygous. (I) 0302 - Variant is present in gnomAD (v2) <0.001 for a dominant condition (1 heterozygote, 0 homozygotes). (SP) 0504 - Same amino acid change has been observed in placental mammals. (SB) 0604 - Variant is not located in an established domain, motif, hotspot or informative constraint region. (I) 0705 - No comparable missense variants have previous evidence for pathogenicity. (I) 0807 - This variant has no previous evidence of pathogenicity. (I) 0905 - No published segregation evidence has been identified for this variant. (I) 1007 - No published functional evidence has been identified for this variant. (I) 1208 - Inheritance information for this variant is not currently available in this individual. (I) Legend: (SP) - Supporting pathogenic, (I) - Information, (SB) - Supporting benign

Literature cited by the submitters: PubMed 32342993 (cited by Victorian Clinical Genetics Services, Murdoch Childrens Research Institute); PubMed 32557990 (cited by Victorian Clinical Genetics Services, Murdoch Childrens Research Institute).